The following is an entry in ClinVar:

ClinVar aggregate classification (germline): Uncertain significance (1 of 4 stars; one submission).

Conditions:
Short-rib thoracic dysplasia 8 with or without polydactyly (SRTD8). Also called: SHORT-RIB THORACIC DYSPLASIA 8 WITH POLYDACTYLY. Identifiers: Orphanet 93271, MedGen C3809691, MONDO:0014214, OMIM 615503.

Submission:

Labcorp Genetics (formerly Invitae), Labcorp
Classification: Uncertain significance for Short-rib thoracic dysplasia 8 with or without polydactyly. Last evaluated: 2022-06-15. Review status: criteria provided, single submitter. Criteria: Invitae Variant Classification Sherloc (09022015). Collection method: clinical testing. Allele origin: germline.
Comment: In summary, the available evidence is currently insufficient to determine the role of this variant in disease. Therefore, it has been classified as a Variant of Uncertain Significance. Algorithms developed to predict the effect of missense changes on protein structure and function are either unavailable or do not agree on the potential impact of this missense change (SIFT: "Deleterious"; PolyPhen-2: "Benign"; Align-GVGD: "Class C25"). This variant has not been reported in the literature in individuals affected with WDR60-related conditions. This variant is not present in population databases (gnomAD no frequency). This sequence change replaces glutamine, which is neutral and polar, with glutamic acid, which is acidic and polar, at codon 534 of the WDR60 protein (p.Gln534Glu).

NM_018051.5(DYNC2I1):c.1600C>G (p.Gln534Glu)

Gene: DYNC2I1 (dynein 2 intermediate chain 1; plus strand). Cytogenetic location: 7q36.3.
Variant type: single nucleotide variant.
Coding change: c.1600C>G on transcript NM_018051.5 (MANE Select); coding-DNA position 1600, C replaced by G.
Protein change: p.Gln534Glu; replaces glutamine 534 with glutamic acid.
Molecular consequence: missense variant.
Genome position (GRCh38, 1-based): chr7:158,912,994, C>G. VCF-style: chr7-158912994-C-G. GRCh37 (hg19) VCF-style: chr7-158705685-C-G.
Other names: c.1462C>G, p.Gln488Glu (NM_001350914.2); c.1027C>G, p.Gln343Glu (NM_001350915.2); c.139C>G, p.Gln47Glu (NM_001350916.2); c.352C>G, p.Gln118Glu (NM_001350917.2, NM_001350918.2); short protein forms Q343E, Q534E, Q118E, Q488E, Q47E.
Identifiers: ClinVar variation 1956971 (VCV001956971.5), dbSNP rs2536229168, ClinGen allele CA370190877.